The following is an entry in ClinVar:

ClinVar aggregate classification (germline): Uncertain significance (1 of 4 stars; one submission).

Allele frequency attached by ClinVar (database versions not stated): TOPMed below 0.00001; ExAC 0.00001.

Submission:

Ambry Genetics
Classification: Uncertain significance. Last evaluated: 2022-04-02. Review status: criteria provided, single submitter. Criteria: Ambry Variant Classification Scheme 2023. Collection method: clinical testing. Allele origin: germline.
Comment: The p.H91L variant (also known as c.272A>T), located in coding exon 4 of the NPAT gene, results from an A to T substitution at nucleotide position 272. The histidine at codon 91 is replaced by leucine, an amino acid with similar properties. This amino acid position is conserved. In addition, this alteration is predicted to be tolerated by in silico analysis. Since supporting evidence is limited at this time, the clinical significance of this alteration remains unclear.

NM_002519.3(NPAT):c.272A>T (p.His91Leu)

Gene: NPAT (nuclear protein, coactivator of histone transcription; minus strand). Cytogenetic location: 11q22.3.
Variant type: single nucleotide variant.
Coding change: c.272A>T on transcript NM_002519.3 (MANE Select); coding-DNA position 272, A replaced by T.
Protein change: p.His91Leu; replaces histidine 91 with leucine.
Molecular consequence: missense variant.
Genome position (GRCh38, 1-based): chr11:108,192,136, T>A on the plus strand (A>T on the coding strand, the complement: NPAT is on the minus strand). VCF-style: chr11-108192136-T-A. GRCh37 (hg19) VCF-style: chr11-108062863-T-A.
Other names: c.272A>T, p.His91Leu (NM_001321307.1); short protein forms H91L.
Identifiers: ClinVar variation 1795272 (VCV001795272.2), dbSNP rs750642310, ClinGen allele CA6264368.